The following is an entry in ClinVar:

ClinVar aggregate classification (germline): Uncertain significance (1 of 4 stars; one submission).

Allele frequency attached by ClinVar (database versions not stated): gnomAD exomes below 0.00001; TOPMed below 0.00001.
gnomAD v4.1: 1 of 1,614,174 alleles (0.000062%); highest among the groups gnomAD compares: Non-Finnish European, 0.000085%; no homozygotes.

Submission:

Labcorp Genetics (formerly Invitae), Labcorp
Classification: Uncertain significance. Last evaluated: 2023-06-29. Review status: criteria provided, single submitter. Criteria: Invitae Variant Classification Sherloc (09022015). Collection method: clinical testing. Allele origin: germline.
Comment: This sequence change replaces glycine, which is neutral and non-polar, with arginine, which is basic and polar, at codon 2321 of the KMT2A protein (p.Gly2321Arg). This variant is present in population databases (no rsID available, gnomAD 0.0009%). This variant has not been reported in the literature in individuals affected with KMT2A-related conditions. ClinVar contains an entry for this variant (Variation ID: 1968915). Advanced modeling of protein sequence and biophysical properties (such as structural, functional, and spatial information, amino acid conservation, physicochemical variation, residue mobility, and thermodynamic stability) performed at Invitae indicates that this missense variant is not expected to disrupt KMT2A protein function. In summary, the available evidence is currently insufficient to determine the role of this variant in disease. Therefore, it has been classified as a Variant of Uncertain Significance.

NM_001197104.2(KMT2A):c.6961G>A (p.Gly2321Arg)

Gene: KMT2A (lysine methyltransferase 2A; plus strand). Cytogenetic location: 11q23.3.
Variant type: single nucleotide variant.
Coding change: c.6961G>A on transcript NM_001197104.2 (MANE Select); coding-DNA position 6961, G replaced by A.
Protein change: p.Gly2321Arg; replaces glycine 2321 with arginine.
Molecular consequence: missense variant.
Genome position (GRCh38, 1-based): chr11:118,502,853, G>A. VCF-style: chr11-118502853-G-A. GRCh37 (hg19) VCF-style: chr11-118373568-G-A.
Other names: c.7051G>A, p.Gly2351Arg (NM_001412597.1); c.6952G>A, p.Gly2318Arg (NM_005933.4); short protein forms G2318R, G2351R, G2321R.
Identifiers: ClinVar variation 1968915 (VCV001968915.5), dbSNP rs1555046280, ClinGen allele CA382803777.